The following is an entry in ClinVar:

ClinVar aggregate classification (germline): Likely pathogenic (1 of 4 stars; one submission).

Conditions:
Familial pulmonary capillary hemangiomatosis (PVOD2). Also called: Pulmonary venoocclusive disease 2; Pulmonary venoocclusive disease 2, autosomal recessive. Identifiers: Orphanet 199241, MedGen C0340848, MONDO:0009329, OMIM 234810.

Submission:

Organ Transplant Department, The First Affiliated Hospital of Guangzhou Medical University
Classification: Likely pathogenic for Familial pulmonary capillary hemangiomatosis. Last evaluated: 2025-12-21. Review status: criteria provided, single submitter. Criteria: ACMG Guidelines, 2015. Collection method: clinical testing. Allele origin: germline. Inheritance: Autosomal recessive inheritance. Affected: yes. Observed: 1 variant allele, 1 heterozygote.
Comment: Canonical splice acceptor site variant at intron 29 (IVS29/AC29, c.4066-1G>T). ACMG criteria: PVS1_Moderate (predicted to disrupt splicing) + PM2_Supporting (absent from gnomAD, 1000G, ESP6500). Novel variant.

NM_001013703.4(EIF2AK4):c.4066-1G>T

Gene: EIF2AK4 (eukaryotic translation initiation factor 2 alpha kinase 4; plus strand). Cytogenetic location: 15q15.1.
Variant type: single nucleotide variant.
Coding change: c.4066-1G>T on transcript NM_001013703.4 (MANE Select); the canonical splice acceptor site of the intron before coding-DNA position 4066, G replaced by T.
Molecular consequence: splice acceptor variant.
Genome position (GRCh38, 1-based): chr15:40,019,092, G>T. VCF-style: chr15-40019092-G-T. GRCh37 (hg19) VCF-style: chr15-40311293-G-T.
Identifiers: ClinVar variation 4849906 (VCV004849906.1).